The following is an entry in ClinVar:

ClinVar aggregate classification (germline): Uncertain significance (1 of 4 stars; one submission).

Conditions:
Immunodeficiency, common variable, 2 (CVID2). Also called: HYPOGAMMAGLOBULINEMIA DUE TO TACI DEFICIENCY; ANTIBODY DEFICIENCY DUE TO TACI DEFECT. Identifiers: Orphanet 1572, MedGen C3150354, MONDO:0009413, OMIM 240500.

Allele frequency attached by ClinVar (database versions not stated): gnomAD exomes below 0.00001; TOPMed 0.00001.
gnomAD v4.1: 1 of 1,614,210 alleles (0.000062%); highest among the groups gnomAD compares: Non-Finnish European, 0.000085%; no homozygotes.

Submission:

Labcorp Genetics (formerly Invitae), Labcorp
Classification: Uncertain significance for Immunodeficiency, common variable, 2. Last evaluated: 2022-06-10. Review status: criteria provided, single submitter. Criteria: Invitae Variant Classification Sherloc (09022015). Collection method: clinical testing. Allele origin: germline.
Comment: This variant is not present in population databases (gnomAD no frequency). This variant has not been reported in the literature in individuals affected with TNFRSF13B-related conditions. Algorithms developed to predict the effect of missense changes on protein structure and function output the following: SIFT: "Tolerated"; PolyPhen-2: "Possibly Damaging"; Align-GVGD: "Class C0". The asparagine amino acid residue is found in multiple mammalian species, which suggests that this missense change does not adversely affect protein function. In summary, the available evidence is currently insufficient to determine the role of this variant in disease. Therefore, it has been classified as a Variant of Uncertain Significance. This sequence change replaces aspartic acid, which is acidic and polar, with asparagine, which is neutral and polar, at codon 131 of the TNFRSF13B protein (p.Asp131Asn).

NM_012452.3(TNFRSF13B):c.391G>A (p.Asp131Asn)

Gene: TNFRSF13B (TNF receptor superfamily member 13B; minus strand). Cytogenetic location: 17p11.2.
Variant type: single nucleotide variant.
Coding change: c.391G>A on transcript NM_012452.3 (MANE Select); coding-DNA position 391, G replaced by A.
Protein change: p.Asp131Asn; replaces aspartic acid 131 with asparagine.
Molecular consequence: missense variant.
Genome position (GRCh38, 1-based): chr17:16,948,792, C>T on the plus strand (G>A on the coding strand, the complement: TNFRSF13B is on the minus strand). VCF-style: chr17-16948792-C-T. GRCh37 (hg19) VCF-style: chr17-16852106-C-T.
Other names: short protein forms D131N.
Identifiers: ClinVar variation 1998506 (VCV001998506.4), dbSNP rs2087567198, ClinGen allele CA398519848.
Genomic context (GRCh38, chr17:16,948,792, plus strand): 5'-GCTTACCTGGACTTGCTTCTGAGCCTCTGTGCTCCAATCCTTGGTACCTTCCCGAGTTGT[C>T]TGAATTGTTTTCAACTTCTCCACTCCGCTGTCTCCTGAGCTCTGGTGGAAGGTTCACTGG-3'
Protein context (NP_036584.1, residues 121-141): QRSGEVENNS[Asp131Asn]NSGRYQGLEH